The following is an entry in ClinVar:

ClinVar aggregate classification (germline): Uncertain significance (1 of 4 stars; one submission).

Conditions:
Genitopatellar syndrome (GTPTS). Also called: Genitopatellar syndrome (GPS); ABSENT PATELLAE, SCROTAL HYPOPLASIA, RENAL ANOMALIES, FACIAL DYSMORPHISM, AND MENTAL RETARDATION. Identifiers: Orphanet 85201, MedGen C1853566, MONDO:0011640, OMIM 606170.

Submission:

Labcorp Genetics (formerly Invitae), Labcorp
Classification: Uncertain significance for Genitopatellar syndrome. Last evaluated: 2024-09-05. Review status: criteria provided, single submitter. Criteria: Invitae Variant Classification Sherloc (09022015). Collection method: clinical testing. Allele origin: germline.
Comment: This sequence change replaces glycine, which is neutral and non-polar, with cysteine, which is neutral and slightly polar, at codon 2026 of the KAT6B protein (p.Gly2026Cys). This variant is not present in population databases (gnomAD no frequency). This variant has not been reported in the literature in individuals affected with KAT6B-related conditions. ClinVar contains an entry for this variant (Variation ID: 1722146). An algorithm developed to predict the effect of missense changes on protein structure and function (PolyPhen-2) suggests that this variant is likely to be disruptive. In summary, the available evidence is currently insufficient to determine the role of this variant in disease. Therefore, it has been classified as a Variant of Uncertain Significance.

NM_012330.4(KAT6B):c.6076G>T (p.Gly2026Cys)

Gene: KAT6B (lysine acetyltransferase 6B; plus strand). Cytogenetic location: 10q22.2.
Variant type: single nucleotide variant.
Coding change: c.6076G>T on transcript NM_012330.4 (MANE Select); coding-DNA position 6076, G replaced by T.
Protein change: p.Gly2026Cys; replaces glycine 2026 with cysteine.
Molecular consequence: missense variant.
Genome position (GRCh38, 1-based): chr10:75,030,900, G>T. VCF-style: chr10-75030900-G-T. GRCh37 (hg19) VCF-style: chr10-76790658-G-T.
Other names: c.5527G>T, p.Gly1843Cys (NM_001256468.2, NM_001370138.1); c.5200G>T, p.Gly1734Cys (NM_001256469.2, NM_001370139.1, NM_001370140.1 and 2 more transcripts); c.5038G>T, p.Gly1680Cys (NM_001370132.1); c.4387G>T, p.Gly1463Cys (NM_001370133.1); c.3991G>T, p.Gly1331Cys (NM_001370134.1); c.3733G>T, p.Gly1245Cys (NM_001370135.1); c.6076G>T, p.Gly2026Cys (NM_001370136.1, NM_001370137.1); c.5011G>T, p.Gly1671Cys (NM_001370143.1, NM_001370144.1); short protein forms G1245C, G1331C, G1463C, G1671C, G1680C, G1734C, G1843C, G2026C.
Identifiers: ClinVar variation 1722146 (VCV001722146.6), dbSNP rs2549217979, ClinGen allele CA377302932.
Genomic context (GRCh38, chr10:75,030,900, plus strand): 5'-TACCACAGCAATCATGGCTATATGAATCAAACGCCCCAATACCCTATGCAGATGCAGATG[G>T]GCATGATGGGCACCCAGCCATATGCCCAGCAGCCAATGCAGACCCCACCCCACGGTAACA-3'
Protein context (NP_036462.2, residues 2016-2036): TPQYPMQMQM[Gly2026Cys]MMGTQPYAQQ